The following is an entry in ClinVar:

NM_001127222.2(CACNA1A):c.368A>T (p.Asp123Val)

Gene: CACNA1A (calcium voltage-gated channel subunit alpha1 A; minus strand). Cytogenetic location: 19p13.13.
Variant type: single nucleotide variant.
Coding change: c.368A>T on transcript NM_001127222.2 (MANE Select); coding-DNA position 368, A replaced by T.
Protein change: p.Asp123Val; replaces aspartic acid 123 with valine.
Molecular consequence: missense variant.
Genome position (GRCh38, 1-based): chr19:13,455,138, T>A on the plus strand (A>T on the coding strand, the complement: CACNA1A is on the minus strand). VCF-style: chr19-13455138-T-A. GRCh37 (hg19) VCF-style: chr19-13565952-T-A.
Other names: c.368A>T, p.Asp123Val (NM_000068.4, NM_001127221.2, NM_001174080.2 and 1 more transcripts); short protein forms D123V.
Identifiers: ClinVar variation 547930 (VCV000547930.6), dbSNP rs1555789420, ClinGen allele CA404967807.

ClinVar aggregate classification (germline): Uncertain significance. Review status: criteria provided, multiple submitters, no conflicts (2 of 4 stars). 2 submissions from 2 submitters: Uncertain significance (2). Last evaluated 2025-03-31.

Conditions:
Episodic ataxia type 2 (EA2). Also called: ACETAZOLAMIDE-RESPONSIVE HEREDITARY PAROXYSMAL CEREBELLAR ATAXIA; CEREBELLAR ATAXIA, PAROXYSMAL, ACETAZOLAMIDE-RESPONSIVE; CEREBELLOPATHY, HEREDITARY PAROXYSMAL; EPISODIC ATAXIA, NYSTAGMUS-ASSOCIATED; ATAXIA, EPISODIC, WITH NYSTAGMUS; ATAXIA, FAMILIAL PAROXYSMAL. Identifiers: Orphanet 97, MedGen C1720416, MONDO:0007163, OMIM 108500.
Developmental and epileptic encephalopathy, 42 (DEE42A). Also called: DEVELOPMENTAL AND EPILEPTIC ENCEPHALOPATHY 42A; EPILEPTIC ENCEPHALOPATHY, EARLY INFANTILE, 42A; Epileptic encephalopathy, early infantile, 42. Identifiers: MedGen C4310716, MONDO:0014917, OMIM 617106.

Submissions (2):

Labcorp Genetics (formerly Invitae), Labcorp
Classification: Uncertain significance for Developmental and epileptic encephalopathy, 42; Episodic ataxia type 2. Last evaluated: 2025-03-31. Review status: criteria provided, single submitter. Criteria: Invitae Variant Classification Sherloc (09022015). Collection method: clinical testing. Allele origin: germline.
Comment: This sequence change replaces aspartic acid, which is acidic and polar, with valine, which is neutral and non-polar, at codon 123 of the CACNA1A protein (p.Asp123Val). This variant is not present in population databases (gnomAD no frequency). This variant has not been reported in the literature in individuals affected with CACNA1A-related conditions. ClinVar contains an entry for this variant (Variation ID: 547930). Invitae Evidence Modeling of protein sequence and biophysical properties (such as structural, functional, and spatial information, amino acid conservation, physicochemical variation, residue mobility, and thermodynamic stability) indicates that this missense variant is not expected to disrupt CACNA1A protein function with a negative predictive value of 95%. In summary, the available evidence is currently insufficient to determine the role of this variant in disease. Therefore, it has been classified as a Variant of Uncertain Significance.

Mayo Clinic Laboratories, Mayo Clinic
Classification: Uncertain significance for Episodic ataxia type 2. Last evaluated: 2017-03-02. Review status: criteria provided, single submitter. Criteria: ACMG Guidelines, 2015. Collection method: clinical testing. Allele origin: maternal.